The following is an entry in ClinVar:

NM_015205.3(ATP11A):c.2207G>A (p.Arg736His)

Gene: ATP11A (ATPase phospholipid transporting 11A; plus strand). Cytogenetic location: 13q34.
Variant type: single nucleotide variant.
Coding change: c.2207G>A on transcript NM_015205.3 (MANE Select); coding-DNA position 2207, G replaced by A.
Protein change: p.Arg736His; replaces arginine 736 with histidine.
Molecular consequence: missense variant.
Genome position (GRCh38, 1-based): chr13:112,854,494, G>A. VCF-style: chr13-112854494-G-A. GRCh37 (hg19) VCF-style: chr13-113508808-G-A.
Other names: c.2207G>A, p.Arg736His (NM_001405661.1, NM_001405662.1, NM_001405663.1 and 1 more transcripts); short protein forms R736H.
Identifiers: ClinVar variation 3804191 (VCV003804191.2).

ClinVar aggregate classification (germline): Uncertain significance. Review status: criteria provided, multiple submitters, no conflicts (2 of 4 stars). 2 submissions from 2 submitters: Uncertain significance (2). Last evaluated 2026-08-11.

Conditions:
ATP11A-related disorder. Also called: ATP11A-related condition.
Inborn genetic diseases. Identifiers: MedGen C0950123, MeSH D030342.

gnomAD v4.1: 53 of 1,611,506 alleles (0.0033%); highest among the groups gnomAD compares: African/African-American, 0.045%; 1 homozygote.

Submissions (2):

PreventionGenetics, part of Exact Sciences
Classification: Uncertain significance for ATP11A-related condition. Last evaluated: 2026-08-11. Review status: criteria provided, single submitter. Criteria: ACMG Guidelines, 2015. Collection method: clinical testing. Allele origin: germline.
Comment: The ATP11A c.2207G>A variant is predicted to result in the amino acid substitution p.Arg736His. To our knowledge, this variant has not been reported in the literature. This variant is reported in 0.045% of alleles in individuals of African descent in gnomAD. Although we suspect that this variant may be benign, at this time, the clinical significance of this variant is uncertain due to the absence of conclusive functional and genetic evidence.

Ambry Genetics
Classification: Uncertain significance for Inborn genetic diseases. Last evaluated: 2025-01-18. Review status: criteria provided, single submitter. Criteria: Ambry Variant Classification Scheme 2023. Collection method: clinical testing. Allele origin: germline.